The following is an entry in ClinVar:

ClinVar aggregate classification (germline): Pathogenic (1 of 4 stars; one submission).

Conditions:
Hereditary cancer-predisposing syndrome. Also called: Neoplastic Syndromes, Hereditary; Tumor predisposition; Hereditary Cancer Syndrome; Hereditary neoplastic syndrome. Identifiers: Orphanet 140162, MedGen C0027672, MeSH D009386, MONDO:0015356.

Submission:

Ambry Genetics
Classification: Pathogenic for Hereditary cancer-predisposing syndrome. Last evaluated: 2022-03-31. Review status: criteria provided, single submitter. Criteria: Ambry Variant Classification Scheme 2023. Collection method: clinical testing. Allele origin: germline.
Comment: The c.1722dupA pathogenic mutation, located in coding exon 6 of the AXIN2 gene, results from a duplication of A at nucleotide position 1722, causing a translational frameshift with a predicted alternate stop codon (p.G575Rfs*53). This variant is considered to be rare based on population cohorts in the Genome Aggregation Database (gnomAD). This alteration is expected to result in loss of function by premature protein truncation or nonsense-mediated mRNA decay. As such, this alteration is interpreted as a disease-causing mutation.

NM_004655.4(AXIN2):c.1722dup (p.Gly575fs)

Gene: AXIN2 (axin 2; minus strand). Cytogenetic location: 17q24.1.
Variant type: Duplication.
Coding change: c.1722dup on transcript NM_004655.4 (MANE Select); coding-DNA position 1722, one base duplicated (A; older notation c.1722dupA).
Protein change: p.Gly575fs; shifts the reading frame from glycine 575.
Molecular consequence: frameshift variant. On other transcripts: intron variant (1).
Genome position (GRCh38, 1-based): chr17:65,537,054, T duplicated on the plus strand (A on the coding strand, the reverse complement: AXIN2 is on the minus strand). VCF-style (leftmost placement, unchanged base first): chr17-65537053-C-CT. GRCh37 (hg19) VCF-style: chr17-63533171-C-CT.
Other names: c.1712+270dup (NM_001363813.1); c.1722dupA (NM_004655.3); short protein forms G575fs.
Identifiers: ClinVar variation 1778801 (VCV001778801.2), dbSNP rs2509409059, ClinGen allele CA2580094703.